The following is an entry in ClinVar:

ClinVar aggregate classification (germline): Uncertain significance. Review status: criteria provided, single submitter (1 of 4 stars). 2 submissions from 2 submitters: Uncertain significance (1). 1 of the submissions does not count toward it. Last evaluated 2025-08-13.

Conditions:
PCNT-related disorder. Also called: PCNT-related condition.
Inborn genetic diseases. Identifiers: MedGen C0950123, MeSH D030342.

Allele frequency attached by ClinVar (database versions not stated): TOPMed 0.00003.
gnomAD v4.1: 2 of 1,565,618 alleles (0.00013%); no homozygotes.

Submissions (2):

Ambry Genetics
Classification: Uncertain significance for Inborn genetic diseases. Last evaluated: 2025-08-13. Review status: criteria provided, single submitter. Criteria: Ambry Variant Classification Scheme 2023. Collection method: clinical testing. Allele origin: germline.

PreventionGenetics, part of Exact Sciences
Classification: Uncertain significance for PCNT-related condition. Last evaluated: 2023-12-01. Review status: no assertion criteria provided. Collection method: clinical testing. Allele origin: germline. Not counted in ClinVar's aggregate classification.
Comment: The PCNT c.4155G>T variant is predicted to result in the amino acid substitution p.Glu1385Asp. To our knowledge, this variant has not been reported in the literature or in a large population database, indicating this variant is rare. At this time, the clinical significance of this variant is uncertain due to the absence of conclusive functional and genetic evidence.

NM_006031.6(PCNT):c.4155G>T (p.Glu1385Asp)

Gene: PCNT (pericentrin; plus strand). Cytogenetic location: 21q22.3.
Variant type: single nucleotide variant.
Coding change: c.4155G>T on transcript NM_006031.6 (MANE Select); coding-DNA position 4155, G replaced by T.
Protein change: p.Glu1385Asp; replaces glutamic acid 1385 with aspartic acid.
Molecular consequence: missense variant.
Genome position (GRCh38, 1-based): chr21:46,391,315, G>T. VCF-style: chr21-46391315-G-T. GRCh37 (hg19) VCF-style: chr21-47811230-G-T.
Other names: c.3801G>T, p.Glu1267Asp (NM_001315529.2); short protein forms E1267D, E1385D.
Identifiers: ClinVar variation 3031000 (VCV003031000.3), dbSNP rs765704637, ClinGen allele CA410577140.